The following is an entry in ClinVar:

ClinVar aggregate classification (germline): Uncertain significance. Review status: criteria provided, multiple submitters, no conflicts (2 of 4 stars). 2 submissions from 2 submitters: Uncertain significance (2). Last evaluated 2026-09-10.

Conditions:
Inborn genetic diseases. Identifiers: MedGen C0950123, MeSH D030342.
Intellectual developmental disorder with behavioral abnormalities and craniofacial dysmorphism with or without seizures. Identifiers: MedGen C5231476, MONDO:0032883, OMIM 618725.

Allele frequency attached by ClinVar (database versions not stated): ESP Exome Variant Server 0.00008; gnomAD 0.00001; TOPMed 0.00003.
gnomAD v4.1: 2 of 1,613,998 alleles (0.00012%); highest among the groups gnomAD compares: African/African-American, 0.0027%; no homozygotes.

Submissions (2):

Ambry Genetics
Classification: Uncertain significance for Inborn genetic diseases. Last evaluated: 2026-09-10. Review status: criteria provided, single submitter. Criteria: Ambry Variant Classification Scheme 2023. Collection method: clinical testing. Allele origin: germline.
Comment: The c.1918G>T (p.V640L) alteration is located in exon 18 (coding exon 16) of the PHF21A gene. This alteration results from a G to T substitution at nucleotide position 1918, causing the valine (V) at amino acid position 640 to be replaced by a leucine (L). Based on data from gnomAD, the T allele has an overall frequency of 0.003% (1/31374) total alleles studied. The highest observed frequency was 0.012% (1/8702) of African alleles. Based on insufficient or conflicting evidence, the clinical significance of this alteration remains unclear.

Revvity Omics, Revvity
Classification: Uncertain significance for Intellectual developmental disorder with behavioral abnormalities and craniofacial dysmorphism with or without seizures. Last evaluated: 2023-02-23. Review status: criteria provided, single submitter. Criteria: ACMG Guidelines, 2015. Collection method: clinical testing. Allele origin: germline.

NM_001352027.3(PHF21A):c.1921G>T (p.Val641Leu)

Gene: PHF21A (PHD finger protein 21A; minus strand). Cytogenetic location: 11p11.2.
Variant type: single nucleotide variant.
Coding change: c.1921G>T on transcript NM_001352027.3 (MANE Select); coding-DNA position 1921, G replaced by T.
Protein change: p.Val641Leu; replaces valine 641 with leucine.
Molecular consequence: missense variant. On other transcripts: non-coding transcript variant (2).
Genome position (GRCh38, 1-based): chr11:45,934,093, C>A on the plus strand (G>T on the coding strand, the complement: PHF21A is on the minus strand). VCF-style: chr11-45934093-C-A. GRCh37 (hg19) VCF-style: chr11-45955644-C-A.
Other names: c.1918G>T (NM_001101802.1); c.1918G>T, p.Val640Leu (NM_001101802.3); c.1921G>T, p.Val641Leu (NM_001352025.3, NM_001352026.3); c.1780G>T, p.Val594Leu (NM_001352028.1, NM_001352029.1, NM_016621.5); c.1777G>T, p.Val593Leu (NM_001352030.3, NM_001352031.3, NM_001352032.3); short protein forms V593L, V594L, V640L, V641L.
Identifiers: ClinVar variation 2689691 (VCV002689691.3), dbSNP rs145172014, ClinGen allele CA221608181.